The following is an entry in ClinVar:

ClinVar aggregate classification (germline): Uncertain significance. Review status: criteria provided, multiple submitters, no conflicts (2 of 4 stars). 3 submissions from 3 submitters: Uncertain significance (3). Last evaluated 2025-10-30.

Conditions:
Fanconi anemia complementation group A (FANCA). Also called: Fanconi anemia, group A; FANCA-Related Fanconi Anemia. Identifiers: Orphanet 84, MedGen C3469521, MONDO:0009215, OMIM 227650.
Inborn genetic diseases. Identifiers: MedGen C0950123, MeSH D030342.
Fanconi anemia (FA). Also called: Fanconi's anemia. Identifiers: Orphanet 84, MedGen C0015625, MeSH D005199, MONDO:0019391.

Allele frequency attached by ClinVar (database versions not stated): gnomAD exomes below 0.00001.
gnomAD v4.1: 4 of 1,614,176 alleles (0.00025%); highest among the groups gnomAD compares: Non-Finnish European, 0.00034%; no homozygotes.

Submissions (3):

Ambry Genetics
Classification: Uncertain significance for Inborn genetic diseases. Last evaluated: 2025-10-30. Review status: criteria provided, single submitter. Criteria: Ambry Variant Classification Scheme 2023. Collection method: clinical testing. Allele origin: germline.
Comment: The p.T912P variant (also known as c.2734A>C), located in coding exon 28 of the FANCA gene, results from an A to C substitution at nucleotide position 2734. The threonine at codon 912 is replaced by proline, an amino acid with highly similar properties. This amino acid position is conserved. In addition, this alteration is predicted to be tolerated by in silico analysis. Based on the available evidence, the clinical significance of this variant remains unclear.

Fulgent Genetics
Classification: Uncertain significance for Fanconi anemia complementation group A. Last evaluated: 2022-04-29. Review status: criteria provided, single submitter. Criteria: ACMG Guidelines, 2015. Collection method: clinical testing. Allele origin: unknown.

Labcorp Genetics (formerly Invitae), Labcorp
Classification: Uncertain significance for Fanconi anemia. Last evaluated: 2021-08-26. Review status: criteria provided, single submitter. Criteria: Invitae Variant Classification Sherloc (09022015). Collection method: clinical testing. Allele origin: germline.
Comment: This sequence change replaces threonine with proline at codon 912 of the FANCA protein (p.Thr912Pro). The threonine residue is weakly conserved and there is a small physicochemical difference between threonine and proline. This variant is not present in population databases (ExAC no frequency). This variant has not been reported in the literature in individuals affected with FANCA-related conditions. Algorithms developed to predict the effect of missense changes on protein structure and function are either unavailable or do not agree on the potential impact of this missense change (SIFT: "Tolerated"; PolyPhen-2: "Possibly Damaging"; Align-GVGD: "Class C0"). In summary, the available evidence is currently insufficient to determine the role of this variant in disease. Therefore, it has been classified as a Variant of Uncertain Significance.

NM_000135.4(FANCA):c.2734A>C (p.Thr912Pro)

Gene: FANCA (FA complementation group A; minus strand). Cytogenetic location: 16q24.3.
Variant type: single nucleotide variant.
Coding change: c.2734A>C on transcript NM_000135.4 (MANE Select); coding-DNA position 2734, A replaced by C.
Protein change: p.Thr912Pro; replaces threonine 912 with proline.
Molecular consequence: missense variant.
Genome position (GRCh38, 1-based): chr16:89,764,934, T>G on the plus strand (A>C on the coding strand, the complement: FANCA is on the minus strand). VCF-style: chr16-89764934-T-G. GRCh37 (hg19) VCF-style: chr16-89831342-T-G.
Other names: c.2734A>C, p.Thr912Pro (NM_001286167.3); short protein forms T912P.
Identifiers: ClinVar variation 863473 (VCV000863473.9), dbSNP rs1220495259, ClinGen allele CA397438122.